The following is an entry in ClinVar:

NM_001330260.2(SCN8A):c.3113A>G (p.Tyr1038Cys)

Gene: SCN8A (sodium voltage-gated channel alpha subunit 8; plus strand). Cytogenetic location: 12q13.13.
Variant type: single nucleotide variant.
Coding change: c.3113A>G on transcript NM_001330260.2 (MANE Select); coding-DNA position 3113, A replaced by G.
Protein change: p.Tyr1038Cys; replaces tyrosine 1038 with cysteine.
Molecular consequence: missense variant.
Genome position (GRCh38, 1-based): chr12:51,769,076, A>G. VCF-style: chr12-51769076-A-G. GRCh37 (hg19) VCF-style: chr12-52162860-A-G.
Other names: c.3113A>G, p.Tyr1038Cys (NM_014191.4, NM_001177984.3, NM_001369788.1); c.3113A>G (NM_001330260.1); short protein forms Y1038C.
Identifiers: ClinVar variation 1806334 (VCV001806334.2), dbSNP rs1942882271, ClinGen allele CA384892499.

ClinVar aggregate classification (germline): Uncertain significance (1 of 4 stars; one submission).

Conditions:
Cognitive impairment with or without cerebellar ataxia (CIAT). Identifiers: MedGen C3280415, MONDO:0013680, OMIM 614306.

Allele frequency attached by ClinVar (database versions not stated): gnomAD exomes below 0.00001.
gnomAD v4.1: 1 of 1,613,980 alleles (0.000062%); highest among the groups gnomAD compares: Non-Finnish European, 0.000085%; no homozygotes.

Submission:

Victorian Clinical Genetics Services, Murdoch Childrens Research Institute
Classification: Uncertain significance for Cognitive impairment with or without cerebellar ataxia. Last evaluated: 2023-07-16. Review status: criteria provided, single submitter. Criteria: ACMG Guidelines, 2015. Collection method: clinical testing. Allele origin: germline. Inheritance: Autosomal dominant inheritance. Affected: yes.
Comment: Based on the classification scheme VCGS_Germline_v1.3.4, this variant is classified as VUS-3B. Following criteria are met: 0103 - Loss of function and gain of function are known mechanisms of disease in this gene, and are associated with cognitive impairment with or without cerebellar ataxia (MIM#614306), and developmental and epileptic encephalopathy 13 (MIM#614558), respectively. In addition, gain of function is speculated for benign familial infantile seizures, 5 (MIM#617080) (PMID: 31904124, OMIM). (I) 0107 - This gene is associated with autosomal dominant disease. (I) 0200 - Variant is predicted to result in a missense amino acid change from tyrosine to cysteine. (I) 0251 - This variant is heterozygous. (I) 0301 - Variant is absent from gnomAD (both v2 and v3). (SP) 0502 - Missense variant with conflicting in silico predictions and uninformative conservation. (I) 0600 - Variant is located in the annotated Na_trans_assoc domain (DECIPHER). (I) 0705 - No comparable missense variants have previous evidence for pathogenicity. (I) 0807 - This variant has no previous evidence of pathogenicity. (I) 0905 - No published segregation evidence has been identified for this variant. (I) 1007 - No published functional evidence has been identified for this variant. (I) 1208 - Inheritance information for this variant is not currently available in this individual. (I) Legend: (SP) - Supporting pathogenic, (I) - Information, (SB) - Supporting benign

Literature cited by the submitters: PubMed 31904124.